The following is an entry in ClinVar:

NM_024996.7(GFM1):c.1948A>G (p.Met650Val)

Gene: GFM1 (G elongation factor mitochondrial 1; plus strand). Cytogenetic location: 3q25.32.
Variant type: single nucleotide variant.
Coding change: c.1948A>G on transcript NM_024996.7 (MANE Select); coding-DNA position 1948, A replaced by G.
Protein change: p.Met650Val; replaces methionine 650 with valine.
Molecular consequence: missense variant. On other transcripts: non-coding transcript variant (4).
Genome position (GRCh38, 1-based): chr3:158,690,201, A>G. VCF-style: chr3-158690201-A-G. GRCh37 (hg19) VCF-style: chr3-158407990-A-G.
Other names: c.2005A>G, p.Met669Val (NM_001308164.2); c.1867A>G, p.Met623Val (NM_001374355.1); c.1831A>G, p.Met611Val (NM_001374356.1); c.1723A>G, p.Met575Val (NM_001374357.1); c.1489A>G, p.Met497Val (NM_001374358.1); c.1381A>G, p.Met461Val (NM_001374359.1, NM_001374360.1); c.1264A>G, p.Met422Val (NM_001374361.1); short protein forms M611V, M497V, M623V, M669V, M422V, M461V, M575V, M650V.
Identifiers: ClinVar variation 901932 (VCV000901932.10), dbSNP rs147847472, ClinGen allele CA2683039.

ClinVar aggregate classification (germline): Uncertain significance. Review status: criteria provided, multiple submitters, no conflicts (2 of 4 stars). 5 submissions from 5 submitters: Uncertain significance (5). Last evaluated 2025-01-02.

Conditions:
Inborn genetic diseases. Identifiers: MedGen C0950123, MeSH D030342.
Hepatoencephalopathy due to combined oxidative phosphorylation defect type 1. Also called: HEPATOENCEPHALOPATHY, EARLY FATAL PROGRESSIVE. Identifiers: Orphanet 137681, MedGen C1836797, MONDO:0012191, OMIM 609060.

Allele frequency attached by ClinVar (database versions not stated): ExAC 0.00007; ESP Exome Variant Server 0.00015; gnomAD exomes 0.00011 and 0.00014; gnomAD 0.00008; TOPMed 0.00012; 1000 Genomes Project 0.00020; 1000 Genomes Project 30x 0.00031.
gnomAD v4.1: 181 of 1,613,040 alleles (0.011%); highest among the groups gnomAD compares: Middle Eastern, 0.066%; no homozygotes.

Submissions (5):

Ambry Genetics
Classification: Uncertain significance for Inborn genetic diseases. Last evaluated: 2025-01-02. Review status: criteria provided, single submitter. Criteria: Ambry Variant Classification Scheme 2023. Collection method: clinical testing. Allele origin: germline.
Comment: The c.1948A>G (p.M650V) alteration is located in exon 16 (coding exon 16) of the GFM1 gene. This alteration results from a A to G substitution at nucleotide position 1948, causing the methionine (M) at amino acid position 650 to be replaced by a valine (V). The in silico prediction for the p.M650V alteration is inconclusive. Based on insufficient or conflicting evidence, the clinical significance of this alteration remains unclear.

Labcorp Genetics (formerly Invitae), Labcorp
Classification: Uncertain significance. Last evaluated: 2024-10-07. Review status: criteria provided, single submitter. Criteria: Invitae Variant Classification Sherloc (09022015). Collection method: clinical testing. Allele origin: germline.
Comment: This sequence change replaces methionine, which is neutral and non-polar, with valine, which is neutral and non-polar, at codon 650 of the GFM1 protein (p.Met650Val). This variant is present in population databases (rs147847472, gnomAD 0.03%). This variant has not been reported in the literature in individuals affected with GFM1-related conditions. ClinVar contains an entry for this variant (Variation ID: 901932). Invitae Evidence Modeling of protein sequence and biophysical properties (such as structural, functional, and spatial information, amino acid conservation, physicochemical variation, residue mobility, and thermodynamic stability) has been performed for this missense variant. However, the output from this modeling did not meet the statistical confidence thresholds required to predict the impact of this variant on GFM1 protein function. In summary, the available evidence is currently insufficient to determine the role of this variant in disease. Therefore, it has been classified as a Variant of Uncertain Significance.

Blueprint Genetics
Classification: Uncertain significance. Last evaluated: 2024-08-20. Review status: criteria provided, single submitter. Criteria: ACMG Guidelines, 2015. Collection method: clinical testing. Allele origin: germline.

GeneDx
Classification: Uncertain significance. Last evaluated: 2023-05-04. Review status: criteria provided, single submitter. Criteria: GeneDx Variant Classification Process June 2021. Collection method: clinical testing. Allele origin: germline. Affected: yes.
Comment: In silico analysis supports that this missense variant has a deleterious effect on protein structure/function; Has not been previously published as pathogenic or benign to our knowledge

Illumina Laboratory Services, Illumina
Classification: Uncertain significance for Hepatoencephalopathy due to combined oxidative phosphorylation defect type 1. Last evaluated: 2018-01-13. Review status: criteria provided, single submitter. Criteria: ICSL Variant Classification Criteria 13 December 2019. Collection method: clinical testing. Allele origin: germline.